The following is an entry in ClinVar:

ClinVar aggregate classification (germline): Uncertain significance. Review status: criteria provided, multiple submitters, no conflicts (2 of 4 stars). 2 submissions from 2 submitters: Uncertain significance (2). Last evaluated 2023-02-01.

Conditions:
Very long chain acyl-CoA dehydrogenase deficiency (ACADVLD). Also called: VLCAD Deficiency; Very Long-Chain Acyl-Coenzyme A Dehydrogenase Deficiency. Identifiers: Orphanet 26793, MedGen C3887523, MONDO:0008723, OMIM 201475.

Allele frequency attached by ClinVar (database versions not stated): gnomAD exomes below 0.00001; TOPMed 0.00001.

Submissions (2):

CeGaT Center for Human Genetics Tuebingen
Classification: Uncertain significance. Last evaluated: 2023-02-01. Review status: criteria provided, single submitter. Criteria: CeGaT Center For Human Genetics Tuebingen Variant Classification Criteria Version 2. Collection method: clinical testing. Allele origin: germline. Affected: yes. Observed: 1 variant allele.
Comment: ACADVL: PM2, PP1

Labcorp Genetics (formerly Invitae), Labcorp
Classification: Uncertain significance for Very long chain acyl-CoA dehydrogenase deficiency. Last evaluated: 2021-09-01. Review status: criteria provided, single submitter. Criteria: Invitae Variant Classification Sherloc (09022015). Collection method: clinical testing. Allele origin: germline.
Comment: This sequence change replaces isoleucine with threonine at codon 558 of the ACADVL protein (p.Ile558Thr). The isoleucine residue is highly conserved and there is a moderate physicochemical difference between isoleucine and threonine. This variant is not present in population databases (ExAC no frequency). This missense change has been observed in individual(s) with clinical features of very long chain acyl-CoA dehydrogenase (VLCAD) deficiency (PMID: 31191348). Algorithms developed to predict the effect of missense changes on protein structure and function are either unavailable or do not agree on the potential impact of this missense change (SIFT: "Deleterious"; PolyPhen-2: "Probably Damaging"; Align-GVGD: "Class C0"). In summary, the available evidence is currently insufficient to determine the role of this variant in disease. Therefore, it has been classified as a Variant of Uncertain Significance.

Literature cited by the submitters: PubMed 31191348 (cited by Labcorp Genetics (formerly Invitae), Labcorp).

NM_000018.4(ACADVL):c.1673T>C (p.Ile558Thr)

Gene: ACADVL (acyl-CoA dehydrogenase very long chain; plus strand). Cytogenetic location: 17p13.1.
Variant type: single nucleotide variant.
Coding change: c.1673T>C on transcript NM_000018.4 (MANE Select); coding-DNA position 1673, T replaced by C.
Protein change: p.Ile558Thr; replaces isoleucine 558 with threonine.
Molecular consequence: missense variant.
Genome position (GRCh38, 1-based): chr17:7,224,547, T>C. VCF-style: chr17-7224547-T-C. GRCh37 (hg19) VCF-style: chr17-7127866-T-C.
Other names: c.1607T>C, p.Ile536Thr (NM_001033859.3); c.1742T>C, p.Ile581Thr (NM_001270447.2); c.1445T>C, p.Ile482Thr (NM_001270448.2); short protein forms I482T, I536T, I558T, I581T.
Identifiers: ClinVar variation 1369423 (VCV001369423.28), dbSNP rs1256129137, ClinGen allele CA397725619.
Genomic context (GRCh38, chr17:7,224,547, plus strand): 5'-GGGCTCTGGAGCAGTTTGCCACTGTGGTGGAGGCCAAGCTGATAAAACACAAGAAGGGGA[T>C]TGTCAGTAAGTGAGCTCTACACCATTCCGCCCCTCCCTTTCCTCTCCTTGAGACTAATGC-3'
Protein context (NP_000009.1, residues 548-568): EAKLIKHKKG[Ile558Thr]VNEQFLLQRL